The following is an entry in ClinVar:

NM_002282.3(KRT83):c.*23G>T

Gene: KRT83 (keratin 83; minus strand). Cytogenetic location: 12q13.13.
Variant type: single nucleotide variant.
Coding change: c.*23G>T on transcript NM_002282.3 (MANE Select); 23 bases downstream of the stop codon, G replaced by T.
Molecular consequence: 3 prime UTR variant.
Genome position (GRCh38, 1-based): chr12:52,314,608, C>A on the plus strand (G>T on the coding strand, the complement: KRT83 is on the minus strand). VCF-style: chr12-52314608-C-A. GRCh37 (hg19) VCF-style: chr12-52708392-C-A.
Identifiers: ClinVar variation 309493 (VCV000309493.6), dbSNP rs535186700, ClinGen allele CA6577236.
Genomic context (GRCh38, chr12:52,314,608, plus strand): 5'-ATGTGCTGCTGTTTTCAGCTGGTGGTGGGGCAGTGGCACGTCTGGCAGGCAGAAGGGGCT[C>A]CCCTGGCTCTCTTTTGGGCCACTTAATGCCTCCCCTGGCCGCAGGAGCCCCCTCCACAGG-3'

ClinVar aggregate classification (germline): Benign. Review status: criteria provided, multiple submitters, no conflicts (2 of 4 stars). 2 submissions from 2 submitters: Benign (2). Last evaluated 2018-01-13.

Conditions:
Monilethrix. Also called: Beaded hair. Identifiers: Orphanet 573, MedGen C0546966, MONDO:0008009, HP:0032470.

Allele frequency attached by ClinVar (database versions not stated): TOPMed 0.00031; 1000 Genomes Project 30x 0.00031; 1000 Genomes Project 0.00040; gnomAD exomes 0.00067 and 0.00038; ExAC 0.00113; gnomAD 0.00027 and 0.00031.
gnomAD v4.1: 609 of 1,551,970 alleles (0.039%); highest among the groups gnomAD compares: Middle Eastern, 0.29%; no homozygotes.

Submissions (2):

Illumina Laboratory Services, Illumina
Classification: Benign for MONILETHRIX 1. Last evaluated: 2018-01-13. Review status: criteria provided, single submitter. Criteria: ICSL Variant Classification Criteria 13 December 2019. Collection method: clinical testing. Allele origin: germline.
Comment: This variant was observed in the ICSL laboratory as part of a predisposition screen in an ostensibly healthy population. It had not been previously curated by ICSL or reported in the Human Gene Mutation Database (HGMD: prior to June 1st, 2018), and was therefore a candidate for classification through an automated scoring system. Utilizing variant allele frequency, disease prevalence and penetrance estimates, and inheritance mode, an automated score was calculated to assess if this variant is too frequent to cause the disease. Based on the score and internal cut-off values, a variant classified as benign is not then subjected to further curation. The score for this variant resulted in a classification of benign for this disease.

Breakthrough Genomics
Classification: Benign. Review status: criteria provided, single submitter. Criteria: ACMG Guidelines, 2015. Collection method: not provided. Allele origin: germline. Inheritance: Autosomal recessive inheritance. Affected: yes.